The following is an entry in ClinVar:

NM_052947.4(ALPK2):c.1018T>C (p.Ser340Pro)

Genes: ALPK2 (alpha kinase 2; minus strand), LOC114803473 (ALPK2 eExon liver enhancer; plus strand). Cytogenetic location: 18q21.31.
Variant type: single nucleotide variant.
Coding change: c.1018T>C on transcript NM_052947.4 (MANE Select); coding-DNA position 1018, T replaced by C.
Protein change: p.Ser340Pro; replaces serine 340 with proline.
Molecular consequence: missense variant.
Genome position (GRCh38, 1-based): chr18:58,579,758, A>G on the plus strand (T>C on the coding strand, the complement: ALPK2 is on the minus strand). VCF-style: chr18-58579758-A-G. GRCh37 (hg19) VCF-style: chr18-56246990-A-G.
Other names: short protein forms S340P.
Identifiers: ClinVar variation 1751232 (VCV001751232.2), dbSNP rs1351342039, ClinGen allele CA402565081.

ClinVar aggregate classification (germline): Uncertain significance (1 of 4 stars; one submission).

Allele frequency attached by ClinVar (database versions not stated): gnomAD exomes 0.00001; TOPMed 0.00001.
gnomAD v4.1: 5 of 1,614,228 alleles (0.00031%); highest among the groups gnomAD compares: Non-Finnish European, 0.00042%; no homozygotes.

Submission:

Ambry Genetics
Classification: Uncertain significance. Last evaluated: 2022-02-06. Review status: criteria provided, single submitter. Criteria: Ambry Variant Classification Scheme 2023. Collection method: clinical testing. Allele origin: germline.
Comment: The p.S340P variant (also known as c.1018T>C), located in coding exon 3 of the ALPK2 gene, results from a T to C substitution at nucleotide position 1018. The serine at codon 340 is replaced by proline, an amino acid with similar properties. This amino acid position is conserved. In addition, this alteration is predicted to be tolerated by in silico analysis. Since supporting evidence is limited at this time, the clinical significance of this alteration remains unclear.